The following is an entry in ClinVar:

ClinVar aggregate classification (germline): Uncertain significance (1 of 4 stars; one submission).

Conditions:
Hereditary diffuse gastric adenocarcinoma (HDGC). Also called: DIFFUSE GASTRIC AND LOBULAR BREAST CANCER SYNDROME. Identifiers: Orphanet 26106, MedGen C1708349, MONDO:0007648, OMIM 137215.

Submission:

Labcorp Genetics (formerly Invitae), Labcorp
Classification: Uncertain significance for Hereditary diffuse gastric adenocarcinoma. Last evaluated: 2022-09-27. Review status: criteria provided, single submitter. Criteria: Invitae Variant Classification Sherloc (09022015). Collection method: clinical testing. Allele origin: germline.
Comment: In summary, the available evidence is currently insufficient to determine the role of this variant in disease. Therefore, it has been classified as a Variant of Uncertain Significance. Variants that disrupt the consensus splice site are a relatively common cause of aberrant splicing (PMID: 17576681, 9536098). Algorithms developed to predict the effect of sequence changes on RNA splicing suggest that this variant is not likely to affect RNA splicing. This variant has not been reported in the literature in individuals affected with CDH1-related conditions. This variant is not present in population databases (gnomAD no frequency). This sequence change falls in intron 3 of the CDH1 gene. It does not directly change the encoded amino acid sequence of the CDH1 protein. It affects a nucleotide within the consensus splice site.

Literature cited by the submitters: PubMed 17576681; PubMed 9536098.

NM_004360.5(CDH1):c.387+4T>G

Gene: CDH1 (cadherin 1; plus strand). Cytogenetic location: 16q22.1.
Variant type: single nucleotide variant.
Coding change: c.387+4T>G on transcript NM_004360.5 (MANE Select); 4 bases into the intron after coding-DNA position 387, T replaced by G.
Molecular consequence: intron variant.
Genome position (GRCh38, 1-based): chr16:68,801,897, T>G. VCF-style: chr16-68801897-T-G. GRCh37 (hg19) VCF-style: chr16-68835800-T-G.
Other names: c.-1229+4T>G (NM_001317185.2); c.-1433+4T>G (NM_001317186.2); c.387+4T>G (NM_001317184.2).
Identifiers: ClinVar variation 2027336 (VCV002027336.4), dbSNP rs2152127088, ClinGen allele CA2580091907.